The following is an entry in ClinVar:

ClinVar aggregate classification (germline): Pathogenic (1 of 4 stars; one submission).

Conditions:
Carnitine palmitoyl transferase 1A deficiency. Also called: CPT deficiency, hepatic, type IA; Carnitine palmitoyltransferase type I deficiency; CPT I DEFICIENCY; CPT DEFICIENCY, HEPATIC, TYPE I; Carnitine palmitoyltransferase 1A deficiency. Identifiers: Orphanet 156, MedGen C1829703, MONDO:0009705, OMIM 255120.

Submission:

Myriad Genetics, Inc.
Classification: Pathogenic for Carnitine palmitoyl transferase 1A deficiency. Last evaluated: 2026-04-16. Review status: criteria provided, single submitter. Criteria: Myriad Autosomal Dominant, Autosomal Recessive and X-Linked Classification Criteria (2023). Collection method: clinical testing. Allele origin: unknown.
Comment: NM_001876.3(CPT1A):c.892G>T(G298*) is expected to be pathogenic in the context of carnitine palmitoyltransferase IA deficiency. This variant is predicted to lead to an abnormal or absent protein product due to the creation of a premature termination codon in CPT1A, a gene where loss-of-function variants are known to be pathogenic. Please note: this variant was assessed in the context of healthy population screening.

NM_001876.4(CPT1A):c.892G>T (p.Gly298Ter)

Gene: CPT1A (carnitine palmitoyltransferase 1A; minus strand). Cytogenetic location: 11q13.3.
Variant type: single nucleotide variant.
Coding change: c.892G>T on transcript NM_001876.4 (MANE Select); coding-DNA position 892, G replaced by T.
Protein change: p.Gly298Ter; replaces glycine 298 with a stop codon.
Molecular consequence: nonsense.
Genome position (GRCh38, 1-based): chr11:68,793,390, C>A on the plus strand (G>T on the coding strand, the complement: CPT1A is on the minus strand). VCF-style: chr11-68793390-C-A. GRCh37 (hg19) VCF-style: chr11-68560858-C-A.
Other names: c.892G>T, p.Gly298Ter (NM_001031847.3, NM_001440358.1, NM_001440359.1 and 4 more transcripts); c.784G>T, p.Gly262Ter (NM_001440363.1); c.706G>T, p.Gly236Ter (NM_001440365.1); short protein forms G236*, G262*, G298*.
Identifiers: ClinVar variation 5013097 (VCV005013097.1).